The following is an entry in ClinVar:

ClinVar aggregate classification (germline): Uncertain significance (1 of 4 stars; one submission).

Conditions:
Arrhythmogenic right ventricular dysplasia 5. Also called: Arrhythmogenic Right Ventricular Dysplasia/Cardiomyopathy 5; ARRHYTHMOGENIC RIGHT VENTRICULAR DYSPLASIA, FAMILIAL, 5. Identifiers: MedGen C1858379, MONDO:0011459, OMIM 604400.

Submission:

Labcorp Genetics (formerly Invitae), Labcorp
Classification: Uncertain significance for Arrhythmogenic right ventricular dysplasia 5. Last evaluated: 2024-12-16. Review status: criteria provided, single submitter. Criteria: Invitae Variant Classification Sherloc (09022015). Collection method: clinical testing. Allele origin: germline.
Comment: This sequence change replaces serine, which is neutral and polar, with cysteine, which is neutral and slightly polar, at codon 242 of the TMEM43 protein (p.Ser242Cys). This variant is not present in population databases (gnomAD no frequency). This variant has not been reported in the literature in individuals affected with TMEM43-related conditions. ClinVar contains an entry for this variant (Variation ID: 3010963). Invitae Evidence Modeling of protein sequence and biophysical properties (such as structural, functional, and spatial information, amino acid conservation, physicochemical variation, residue mobility, and thermodynamic stability) indicates that this missense variant is not expected to disrupt TMEM43 protein function with a negative predictive value of 80%. In summary, the available evidence is currently insufficient to determine the role of this variant in disease. Therefore, it has been classified as a Variant of Uncertain Significance.

NM_024334.3(TMEM43):c.725C>G (p.Ser242Cys)

Gene: TMEM43 (transmembrane protein 43; plus strand). Cytogenetic location: 3p25.1.
Variant type: single nucleotide variant.
Coding change: c.725C>G on transcript NM_024334.3 (MANE Select); coding-DNA position 725, C replaced by G.
Protein change: p.Ser242Cys; replaces serine 242 with cysteine.
Molecular consequence: missense variant. On other transcripts: intron variant (1).
Genome position (GRCh38, 1-based): chr3:14,135,177, C>G. VCF-style: chr3-14135177-C-G. GRCh37 (hg19) VCF-style: chr3-14176677-C-G.
Other names: c.728C>G, p.Ser243Cys (NM_001407274.1); c.725C>G, p.Ser242Cys (NM_001407275.1, NM_001407276.1, NM_001407277.1); c.710C>G, p.Ser237Cys (NM_001407278.1); c.575C>G, p.Ser192Cys (NM_001407280.1); c.705+286C>G (NM_001407279.1); short protein forms S243C, S192C, S237C, S242C.
Identifiers: ClinVar variation 3010963 (VCV003010963.3), dbSNP rs769486170, ClinGen allele CA351535734.
Genomic context (GRCh38, chr3:14,135,177, plus strand): 5'-TACTCCGTTCCTCACTCTCCCTGCTTCTCTTCCACCCCCAGGTGGGAGACTTGCGTGTCT[C>G]CTTTTCCTATGCTGGACTGAGCGGCGATGACCCTGACCTGGGCCCAGCTCACGTGGTAAC-3'
Protein context (NP_077310.1, residues 232-252): KYPEVGDLRV[Ser242Cys]FSYAGLSGDD